The following is an entry in ClinVar:

NM_001042492.3(NF1):c.5541_5547del (p.Lys1848fs)

Gene: NF1 (neurofibromin 1; plus strand). Cytogenetic location: 17q11.2.
Variant type: Deletion.
Coding change: c.5541_5547del on transcript NM_001042492.3 (MANE Select); coding-DNA positions 5541 to 5547, 7 bases deleted (AAAAGAT; older notation c.5541_5547delAAAAGAT).
Protein change: p.Lys1848fs; shifts the reading frame from lysine 1848.
Molecular consequence: frameshift variant.
Genome position (GRCh38, 1-based): chr17:31,327,771-31,327,777, AAAAGAT deleted. VCF-style (leftmost placement, unchanged base first): chr17-31327770-CAAAAGAT-C. GRCh37 (hg19) VCF-style: chr17-29654788-CAAAAGAT-C.
Other names: c.5478_5484delAAAAGAT, p.Lys1827Serfs (NM_000267.4); c.5478_5484delAAAAGAT (NM_000267.3); short protein forms K1827fs, K1848fs.
Identifiers: ClinVar variation 423787 (VCV000423787.2), dbSNP rs1064796631, ClinGen allele CA16620370.

ClinVar aggregate classification (germline): Pathogenic (1 of 4 stars; one submission).

Submission:

GeneDx
Classification: Pathogenic. Last evaluated: 2017-02-21. Review status: criteria provided, single submitter. Criteria: GeneDx Variant Classification (06012015). Collection method: clinical testing. Allele origin: germline. Affected: yes.
Comment: The c.5478_5484delAAAAGAT pathogenic variant in the NF1 gene causes a frameshift starting with codon Lysine 1827, changes this amino acid to a Serine residue and creates a premature Stop codon at position 13 of the new reading frame, denoted p.Lys1827SerfsX13. This pathogenic variant is predicted to cause loss of normal protein function either through protein truncation or nonsense-mediated mRNA decay. The variant is not observed in large population cohorts (Lek et al., 2016; 1000 Genomes Consortium et al., 2015; Exome Variant Server). Although this pathogenic variant has not been previously reported to our knowledge, we consider it to be pathogenic.